The following is an entry in ClinVar:

NM_012243.3(SLC35A3):c.201A>G (p.Arg67=)

Gene: SLC35A3 (solute carrier family 35 member A3; plus strand). Cytogenetic location: 1p21.2.
Variant type: single nucleotide variant.
Coding change: c.201A>G on transcript NM_012243.3 (MANE Select); coding-DNA position 201, A replaced by G.
Protein change: p.Arg67=; no amino-acid change (arginine 67 retained).
Molecular consequence: synonymous variant.
Genome position (GRCh38, 1-based): chr1:99,999,274, A>G. VCF-style: chr1-99999274-A-G. GRCh37 (hg19) VCF-style: chr1-100464830-A-G.
Other names: c.201A>G, p.Arg67= (NM_001271684.2); c.327A>G, p.Arg109= (NM_001271685.2).
Identifiers: ClinVar variation 1098045 (VCV001098045.23), dbSNP rs748968538, ClinGen allele CA967543.

ClinVar aggregate classification (germline): Conflicting classifications of pathogenicity. Review status: criteria provided, conflicting classifications (1 of 4 stars). 2 submissions from 2 submitters: Uncertain significance (1); Likely benign (1). Last evaluated 2024-07-01.

Conditions:
Autism spectrum disorder - epilepsy - arthrogryposis syndrome (AMRS). Identifiers: Orphanet 370943, MedGen C3809910, MONDO:0014248, OMIM 615553.

Allele frequency attached by ClinVar (database versions not stated): gnomAD exomes below 0.00001 and 0.00001; ExAC 0.00001.
gnomAD v4.1: 10 of 1,550,960 alleles (0.00064%); highest among the groups gnomAD compares: Non-Finnish European, 0.00078%; no homozygotes.

Submissions (2):

CeGaT Center for Human Genetics Tuebingen
Classification: Uncertain significance. Last evaluated: 2024-07-01. Review status: criteria provided, single submitter. Criteria: CeGaT Center For Human Genetics Tuebingen Variant Classification Criteria Version 2. Collection method: clinical testing. Allele origin: germline. Affected: yes. Observed: 1 variant allele.
Comment: SLC35A3: PM2:Supporting, BP4

Labcorp Genetics (formerly Invitae), Labcorp
Classification: Likely benign for Autism spectrum disorder - epilepsy - arthrogryposis syndrome. Last evaluated: 2024-03-05. Review status: criteria provided, single submitter. Criteria: Invitae Variant Classification Sherloc (09022015). Collection method: clinical testing. Allele origin: germline.